The following is an entry in ClinVar:

ClinVar aggregate classification (germline): Uncertain significance (1 of 4 stars; one submission).

Conditions:
Hereditary cancer-predisposing syndrome. Also called: Neoplastic Syndromes, Hereditary; Tumor predisposition; Hereditary neoplastic syndrome; Hereditary Cancer Syndrome. Identifiers: Orphanet 140162, MedGen C0027672, MeSH D009386, MONDO:0015356.
Familial thoracic aortic aneurysm and aortic dissection (TAAD). Also called: Thoracic aortic aneurysms and dissections. Identifiers: Orphanet 91387, MedGen C4707243, MONDO:0019625.

Submission:

Ambry Genetics
Classification: Uncertain significance for Hereditary cancer-predisposing syndrome; Familial thoracic aortic aneurysm and aortic dissection. Last evaluated: 2024-02-01. Review status: criteria provided, single submitter. Criteria: Ambry Variant Classification Scheme 2023. Collection method: clinical testing. Allele origin: germline.
Comment: The p.V93G variant (also known as c.278T>G), located in coding exon 2 of the SMAD4 gene, results from a T to G substitution at nucleotide position 278. The valine at codon 93 is replaced by glycine, an amino acid with dissimilar properties. This amino acid position is conserved. In addition, this alteration is predicted to be deleterious by in silico analysis. Based on the available evidence, the clinical significance of this alteration remains unclear.

NM_005359.6(SMAD4):c.278T>G (p.Val93Gly)

Gene: SMAD4 (SMAD family member 4; plus strand). Cytogenetic location: 18q21.2.
Variant type: single nucleotide variant.
Coding change: c.278T>G on transcript NM_005359.6 (MANE Select); coding-DNA position 278, T replaced by G.
Protein change: p.Val93Gly; replaces valine 93 with glycine.
Molecular consequence: missense variant. On other transcripts: non-coding transcript variant (2).
Genome position (GRCh38, 1-based): chr18:51,048,714, T>G. VCF-style: chr18-51048714-T-G. GRCh37 (hg19) VCF-style: chr18-48575084-T-G.
Other names: c.278T>G, p.Val93Gly (NM_001407041.1, NM_001407042.1, NM_001407043.1); short protein forms V93G.
Identifiers: ClinVar variation 3238408 (VCV003238408.1), dbSNP rs2144405243.